The following is an entry in ClinVar:

NM_001943.5(DSG2):c.1331C>T (p.Thr444Ile)

Gene: DSG2 (desmoglein 2; plus strand). Cytogenetic location: 18q12.1.
Variant type: single nucleotide variant.
Coding change: c.1331C>T on transcript NM_001943.5 (MANE Select); coding-DNA position 1331, C replaced by T.
Protein change: p.Thr444Ile; replaces threonine 444 with isoleucine.
Molecular consequence: missense variant.
Genome position (GRCh38, 1-based): chr18:31,535,320, C>T. VCF-style: chr18-31535320-C-T. GRCh37 (hg19) VCF-style: chr18-29115283-C-T.
Other names: short protein forms T444I.
Identifiers: ClinVar variation 890730 (VCV000890730.5), dbSNP rs2073222443, ClinGen allele CA402140335.

ClinVar aggregate classification (germline): Uncertain significance. Review status: criteria provided, multiple submitters, no conflicts (2 of 4 stars). 2 submissions from 2 submitters: Uncertain significance (2). Last evaluated 2025-09-05.

Conditions:
Arrhythmogenic right ventricular dysplasia 10. Also called: Arrhythmogenic Right Ventricular Dysplasia/Cardiomyopathy10; Arrhythmogenic right ventricular dysplasia/cardiomyopathy, type 10; ARRHYTHMOGENIC RIGHT VENTRICULAR DYSPLASIA, FAMILIAL, 10. Identifiers: MedGen C1857777, MONDO:0012434, OMIM 610193.
Cardiomyopathy (CMYO). Also called: Cardiomyopathies. Identifiers: Orphanet 167848, MedGen C0878544, MONDO:0004994, HP:0001638. Inheritance: Various modes of inheritance.

Allele frequency attached by ClinVar (database versions not stated): gnomAD exomes below 0.00001.
gnomAD v4.1: 2 of 1,599,422 alleles (0.00013%); highest among the groups gnomAD compares: Non-Finnish European, 0.00017%; no homozygotes.

Submissions (2):

Color Diagnostics, LLC DBA Color Health
Classification: Uncertain significance for Cardiomyopathy. Last evaluated: 2025-09-05. Review status: criteria provided, single submitter. Criteria: ACMG Guidelines, 2015. Collection method: clinical testing. Allele origin: germline.
Comment: This missense variant replaces threonine with isoleucine at codon 444 of the DSG2 protein. Computational prediction is inconclusive regarding the impact of this variant on protein structure and function. To our knowledge, functional studies have not been reported for this variant. This variant has not been reported in individuals affected with DSG2-related disorders in the literature. This variant has not been identified in the general population by the Genome Aggregation Database (gnomAD). The available evidence is insufficient to determine the role of this variant in disease conclusively. Therefore, this variant is classified as a Variant of Uncertain Significance.

Illumina Laboratory Services, Illumina
Classification: Uncertain significance for Arrhythmogenic right ventricular dysplasia 10. Last evaluated: 2018-01-13. Review status: criteria provided, single submitter. Criteria: ICSL Variant Classification Criteria 13 December 2019. Collection method: clinical testing. Allele origin: germline.